The following is an entry in ClinVar:

NM_004371.4(COPA):c.1054G>A (p.Val352Ile)

Gene: COPA (coat protein complex I subunit alpha; minus strand). Cytogenetic location: 1q23.2.
Variant type: single nucleotide variant.
Coding change: c.1054G>A on transcript NM_004371.4 (MANE Select); coding-DNA position 1054, G replaced by A.
Protein change: p.Val352Ile; replaces valine 352 with isoleucine.
Molecular consequence: missense variant.
Genome position (GRCh38, 1-based): chr1:160,311,890, C>T on the plus strand (G>A on the coding strand, the complement: COPA is on the minus strand). VCF-style: chr1-160311890-C-T. GRCh37 (hg19) VCF-style: chr1-160281680-C-T.
Other names: c.1054G>A, p.Val352Ile (NM_001098398.2); short protein forms V352I.
Identifiers: ClinVar variation 1478250 (VCV001478250.8), dbSNP rs765356400, ClinGen allele CA1198224.

ClinVar aggregate classification (germline): Uncertain significance (1 of 4 stars; one submission).

Conditions:
Autoimmune interstitial lung disease-arthritis syndrome. Also called: Autoinflammation and autoimmunity, systemic, with immune dysregulation. Identifiers: Orphanet 444092, MedGen C5975714, MONDO:0014629.

Allele frequency attached by ClinVar (database versions not stated): gnomAD exomes below 0.00001; ExAC 0.00001; gnomAD 0.00001; TOPMed 0.00001.
gnomAD v4.1: 1 of 1,613,630 alleles (0.000062%); highest among the groups gnomAD compares: Non-Finnish European, 0.000085%; no homozygotes.

Submission:

Labcorp Genetics (formerly Invitae), Labcorp
Classification: Uncertain significance for Autoimmune interstitial lung disease-arthritis syndrome. Last evaluated: 2025-05-11. Review status: criteria provided, single submitter. Criteria: Invitae Variant Classification Sherloc (09022015). Collection method: clinical testing. Allele origin: germline.
Comment: This sequence change replaces valine, which is neutral and non-polar, with isoleucine, which is neutral and non-polar, at codon 352 of the COPA protein (p.Val352Ile). This variant is present in population databases (rs765356400, gnomAD 0.0009%). This variant has not been reported in the literature in individuals affected with COPA-related conditions. ClinVar contains an entry for this variant (Variation ID: 1478250). Invitae Evidence Modeling of protein sequence and biophysical properties (such as structural, functional, and spatial information, amino acid conservation, physicochemical variation, residue mobility, and thermodynamic stability) indicates that this missense variant is not expected to disrupt COPA protein function with a negative predictive value of 80%. In summary, the available evidence is currently insufficient to determine the role of this variant in disease. Therefore, it has been classified as a Variant of Uncertain Significance.